The following is an entry in ClinVar:

ClinVar aggregate classification (germline): Uncertain significance. Review status: criteria provided, multiple submitters, no conflicts (2 of 4 stars). 3 submissions from 3 submitters: Uncertain significance (3). Last evaluated 2026-08-12.

Conditions:
OPHN1-related disorder.
Inborn genetic diseases. Identifiers: MedGen C0950123, MeSH D030342.

Allele frequency attached by ClinVar (database versions not stated): gnomAD exomes 0.00001.
gnomAD v4.1: 9 of 1,210,304 alleles (0.00074%); highest among the groups gnomAD compares: South Asian, 0.0018%; no homozygotes.

Submissions (3):

Ambry Genetics
Classification: Uncertain significance for Inborn genetic diseases. Last evaluated: 2026-08-12. Review status: criteria provided, single submitter. Criteria: Ambry Variant Classification Scheme 2023. Collection method: clinical testing. Allele origin: germline.

Blueprint Genetics
Classification: Uncertain significance. Last evaluated: 2024-10-11. Review status: criteria provided, single submitter. Criteria: ACMG Guidelines, 2015. Collection method: clinical testing. Allele origin: germline.

PreventionGenetics, part of Exact Sciences
Classification: Uncertain significance for OPHN1-related condition. Last evaluated: 2023-01-10. Review status: criteria provided, single submitter. Criteria: ACMG Guidelines, 2015. Collection method: clinical testing. Allele origin: germline.
Comment: The OPHN1 c.2392C>T variant is predicted to result in the amino acid substitution p.Pro798Ser. To our knowledge, this variant has not been reported in the literature or in a large population database, indicating this variant is rare. At this time, the clinical significance of this variant is uncertain due to the absence of conclusive functional and genetic evidence.

NM_002547.3(OPHN1):c.2392C>T (p.Pro798Ser)

Gene: OPHN1 (oligophrenin 1; minus strand). Cytogenetic location: Xq12.
Variant type: single nucleotide variant.
Coding change: c.2392C>T on transcript NM_002547.3 (MANE Select); coding-DNA position 2392, C replaced by T.
Protein change: p.Pro798Ser; replaces proline 798 with serine.
Molecular consequence: missense variant.
Genome position (GRCh38, 1-based): chrX:68,048,441, G>A on the plus strand (C>T on the coding strand, the complement: OPHN1 is on the minus strand). VCF-style: chrX-68048441-G-A. GRCh37 (hg19) VCF-style: chrX-67268283-G-A.
Other names: short protein forms P798S.
Identifiers: ClinVar variation 2536254 (VCV002536254.5), dbSNP rs2519611593, ClinGen allele CA413429586.